The following is an entry in ClinVar:

NM_000384.3(APOB):c.12115T>C (p.Phe4039Leu)

Gene: APOB (apolipoprotein B; minus strand). Cytogenetic location: 2p24.1.
Variant type: single nucleotide variant.
Coding change: c.12115T>C on transcript NM_000384.3 (MANE Select); coding-DNA position 12115, T replaced by C.
Protein change: p.Phe4039Leu; replaces phenylalanine 4039 with leucine.
Molecular consequence: missense variant.
Genome position (GRCh38, 1-based): chr2:21,003,307, A>G on the plus strand (T>C on the coding strand, the complement: APOB is on the minus strand). VCF-style: chr2-21003307-A-G. GRCh37 (hg19) VCF-style: chr2-21226179-A-G.
Other names: short protein forms F4039L.
Identifiers: ClinVar variation 1750400 (VCV001750400.3), dbSNP rs985544917, ClinGen allele CA43489522.

ClinVar aggregate classification (germline): Uncertain significance (1 of 4 stars; one submission).

Conditions:
Cardiovascular phenotype. Identifiers: MedGen CN230736.

Allele frequency attached by ClinVar (database versions not stated): gnomAD 0.00001; gnomAD exomes 0.00001; TOPMed 0.00001.
gnomAD v4.1: 10 of 1,613,580 alleles (0.00062%); highest among the groups gnomAD compares: Non-Finnish European, 0.00076%; no homozygotes.

Submission:

Ambry Genetics
Classification: Uncertain significance for Cardiovascular phenotype. Last evaluated: 2025-08-19. Review status: criteria provided, single submitter. Criteria: Ambry Variant Classification Scheme 2023. Collection method: clinical testing. Allele origin: germline.
Comment: The p.F4039L variant (also known as c.12115T>C), located in coding exon 29 of the APOB gene, results from a T to C substitution at nucleotide position 12115. The phenylalanine at codon 4039 is replaced by leucine, an amino acid with highly similar properties. This amino acid position is poorly conserved in available vertebrate species. In addition, this alteration is predicted to be tolerated by in silico analysis. Since supporting evidence is limited at this time, the clinical significance of this alteration remains unclear.